The following is an entry in ClinVar:

NM_001194.4(HCN2):c.2356_2400del (p.Ser786_Ala800del)

Gene: HCN2 (hyperpolarization activated cyclic nucleotide gated potassium and sodium channel 2; plus strand). Cytogenetic location: 19p13.3.
Variant type: Deletion.
Coding change: c.2356_2400del on transcript NM_001194.4 (MANE Select); coding-DNA positions 2356 to 2400, 45 bases deleted.
Protein change: p.Ser786_Ala800del.
Genome position (GRCh38, 1-based): chr19:616,160-616,204, 45 bases deleted; deleting any 45 consecutive bases within chr19:616,153-616,204 gives the same sequence; the c. name uses the placement nearest the transcript's 3' end. GRCh37 (hg19): chr19:616,160-616,204.
Identifiers: ClinVar variation 3893627 (VCV003893627.1).

ClinVar aggregate classification (germline): Uncertain significance (1 of 4 stars; one submission).

Submission:

GeneDx
Classification: Uncertain significance. Last evaluated: 2024-10-25. Review status: criteria provided, single submitter. Criteria: GeneDx Variant Classification Process June 2021. Collection method: clinical testing. Allele origin: germline. Affected: yes.
Comment: Not observed at significant frequency in large population cohorts (gnomAD); In-frame deletion of 15 amino acids in a non-repeat region; In silico analysis supports a deleterious effect on protein structure/function; Has not been previously published as pathogenic or benign to our knowledge